The following is an entry in ClinVar:

ClinVar aggregate classification (germline): Uncertain significance (1 of 4 stars; one submission).

Submission:

Labcorp Genetics (formerly Invitae), Labcorp
Classification: Uncertain significance. Last evaluated: 2022-08-09. Review status: criteria provided, single submitter. Criteria: Invitae Variant Classification Sherloc (09022015). Collection method: clinical testing. Allele origin: germline.
Comment: This variant has not been reported in the literature in individuals affected with RTN4IP1-related conditions. This variant is not present in population databases (gnomAD no frequency). This sequence change replaces tryptophan, which is neutral and slightly polar, with arginine, which is basic and polar, at codon 284 of the RTN4IP1 protein (p.Trp284Arg). Algorithms developed to predict the effect of missense changes on protein structure and function (SIFT, PolyPhen-2, Align-GVGD) all suggest that this variant is likely to be tolerated. In summary, the available evidence is currently insufficient to determine the role of this variant in disease. Therefore, it has been classified as a Variant of Uncertain Significance.

NM_032730.5(RTN4IP1):c.850T>C (p.Trp284Arg)

Gene: RTN4IP1 (reticulon 4 interacting protein 1; minus strand). Cytogenetic location: 6q21.
Variant type: single nucleotide variant.
Coding change: c.850T>C on transcript NM_032730.5 (MANE Select); coding-DNA position 850, T replaced by C.
Protein change: p.Trp284Arg; replaces tryptophan 284 with arginine.
Molecular consequence: missense variant.
Genome position (GRCh38, 1-based): chr6:106,587,819, A>G on the plus strand (T>C on the coding strand, the complement: RTN4IP1 is on the minus strand). VCF-style: chr6-106587819-A-G. GRCh37 (hg19) VCF-style: chr6-107035694-A-G.
Other names: c.550T>C, p.Trp184Arg (NM_001318746.1); short protein forms W284R, W184R.
Identifiers: ClinVar variation 2070728 (VCV002070728.4), dbSNP rs2482313703, ClinGen allele CA365154547.
Genomic context (GRCh38, chr6:106,587,819, plus strand): 5'-AAGGAGTCACCAAAGTCACATAGGTGGCTCCTGACCATTTCTTGAGAAAATCTGGAGCCC[A>G]TGTTTCAGTGGATCCGCCAACATTATCAAGGATAAAATCAAATCTGGAGAGGAAGAACCA-3'
Protein context (NP_116119.2, residues 274-294): LDNVGGSTET[Trp284Arg]APDFLKKWSG